The following is an entry in ClinVar:

NM_004519.4(KCNQ3):c.2125C>T (p.Pro709Ser)

Gene: KCNQ3 (potassium voltage-gated channel subfamily Q member 3; minus strand). Cytogenetic location: 8q24.22.
Variant type: single nucleotide variant.
Coding change: c.2125C>T on transcript NM_004519.4 (MANE Select); coding-DNA position 2125, C replaced by T.
Protein change: p.Pro709Ser; replaces proline 709 with serine.
Molecular consequence: missense variant.
Genome position (GRCh38, 1-based): chr8:132,129,756, G>A on the plus strand (C>T on the coding strand, the complement: KCNQ3 is on the minus strand). VCF-style: chr8-132129756-G-A. GRCh37 (hg19) VCF-style: chr8-133142003-G-A.
Other names: c.1765C>T, p.Pro589Ser (NM_001204824.2); short protein forms P589S, P709S.
Identifiers: ClinVar variation 1409173 (VCV001409173.8), dbSNP rs2130923702, ClinGen allele CA372216841.

ClinVar aggregate classification (germline): Uncertain significance (1 of 4 stars; one submission).

Conditions:
Benign neonatal seizures. Also called: Benign neonatal familial convulsions; Benign familial neonatal epilepsy; Benign familial neonatal seizures; Convulsions benign familial neonatal dominant form; Autosomal dominant form of benign neonatal seizures. Identifiers: Orphanet 1949, MedGen C0220669, MONDO:0016027.

Submission:

Labcorp Genetics (formerly Invitae), Labcorp
Classification: Uncertain significance for Benign neonatal seizures. Last evaluated: 2025-04-07. Review status: criteria provided, single submitter. Criteria: Invitae Variant Classification Sherloc (09022015). Collection method: clinical testing. Allele origin: germline.
Comment: This sequence change replaces proline, which is neutral and non-polar, with serine, which is neutral and polar, at codon 709 of the KCNQ3 protein (p.Pro709Ser). This variant is not present in population databases (gnomAD no frequency). This variant has not been reported in the literature in individuals affected with KCNQ3-related conditions. ClinVar contains an entry for this variant (Variation ID: 1409173). Invitae Evidence Modeling of protein sequence and biophysical properties (such as structural, functional, and spatial information, amino acid conservation, physicochemical variation, residue mobility, and thermodynamic stability) indicates that this missense variant is not expected to disrupt KCNQ3 protein function with a negative predictive value of 95%. In summary, the available evidence is currently insufficient to determine the role of this variant in disease. Therefore, it has been classified as a Variant of Uncertain Significance.